The following is an entry in ClinVar:

ClinVar aggregate classification (germline): Uncertain significance (1 of 4 stars; one submission).

Conditions:
Atelosteogenesis type I. Also called: GIANT CELL CHONDRODYSPLASIA; Atelosteogenesis Type 1 (FLNB-AO1); SPONDYLOHUMEROFEMORAL HYPOPLASIA. Identifiers: Orphanet 1190, MedGen C0265283, MONDO:0007167, OMIM 108720.

gnomAD v4.1: 2 of 1,613,968 alleles (0.00012%); highest among the groups gnomAD compares: East Asian, 0.0022%; no homozygotes.

Submission:

3billion
Classification: Uncertain significance for Atelosteogenesis type I. Last evaluated: 2023-10-11. Review status: criteria provided, single submitter. Criteria: ACMG Guidelines, 2015. Collection method: clinical testing. Allele origin: germline. Affected: yes.
Comment: The variant is not observed in the gnomAD v2.1.1 dataset. Predicted Consequence/Location: Missense variant In silico tool predictions suggest damaging effect of the variant on gene or gene product [REVEL: 0.87 (>=0.6, sensitivity 0.68 and specificity 0.92)]. Therefore, this variant is classified as VUS according to the recommendation of ACMG/AMP guideline.

NM_001457.4(FLNB):c.592G>A (p.Ala198Thr)

Gene: FLNB (filamin B; plus strand). Cytogenetic location: 3p14.3.
Variant type: single nucleotide variant.
Coding change: c.592G>A on transcript NM_001457.4 (MANE Select); coding-DNA position 592, G replaced by A.
Protein change: p.Ala198Thr; replaces alanine 198 with threonine.
Molecular consequence: missense variant.
Genome position (GRCh38, 1-based): chr3:58,078,767, G>A. VCF-style: chr3-58078767-G-A. GRCh37 (hg19) VCF-style: chr3-58064494-G-A.
Other names: c.592G>A, p.Ala198Thr (NM_001164317.2, NM_001164318.2, NM_001164319.2); short protein forms A198T.
Identifiers: ClinVar variation 3775234 (VCV003775234.1).